The following is an entry in ClinVar:

NM_000512.5(GALNS):c.1156C>G (p.Arg386Gly)

Gene: GALNS (galactosamine (N-acetyl)-6-sulfatase; minus strand). Cytogenetic location: 16q24.3.
Variant type: single nucleotide variant.
Coding change: c.1156C>G on transcript NM_000512.5 (MANE Select); coding-DNA position 1156, C replaced by G.
Protein change: p.Arg386Gly; replaces arginine 386 with glycine.
Molecular consequence: missense variant.
Genome position (GRCh38, 1-based): chr16:88,824,853, G>C on the plus strand (C>G on the coding strand, the complement: GALNS is on the minus strand). VCF-style: chr16-88824853-G-C. GRCh37 (hg19) VCF-style: chr16-88891261-G-C.
Other names: c.601C>G, p.Arg201Gly (NM_001323543.2); c.1174C>G, p.Arg392Gly (NM_001323544.2); short protein forms R201G, R386G, R392G.
Identifiers: ClinVar variation 4687220 (VCV004687220.1).

ClinVar aggregate classification (germline): Uncertain significance (1 of 4 stars; one submission).

Submission:

Women's Health and Genetics/Laboratory Corporation of America, LabCorp
Classification: Uncertain significance. Last evaluated: 2025-10-17. Review status: criteria provided, single submitter. Criteria: LabCorp Variant Classification Summary - May 2015. Collection method: clinical testing. Allele origin: germline.
Comment: Variant summary: GALNS c.1156C>G (p.Arg386Gly) results in a non-conservative amino acid change in the encoded protein sequence. Algorithms developed to predict the effect of missense changes on protein structure and function all suggest that this variant is likely to be disruptive. The variant was absent in 249270 control chromosomes. To our knowledge, no occurrence of c.1156C>G in individuals affected with GALNS-related conditions and no experimental evidence demonstrating its impact on protein function have been reported. Two different variants affecting the same codon, c.1157G>A (p.Arg386His) and c.1156C>T (p.Arg386Cys) have been classified as likely pathogenic/pathogenic by our lab, supporting the pathogenicity of this variant. No submitters have cited clinical-significance assessments for this variant to ClinVar. Based on the evidence outlined above, the variant was classified as VUS-possibly pathogenic.